The following is an entry in ClinVar:

NM_001903.5(CTNNA1):c.2695G>T (p.Glu899Ter)

Gene: CTNNA1 (catenin alpha 1; plus strand). Cytogenetic location: 5q31.2.
Variant type: single nucleotide variant.
Coding change: c.2695G>T on transcript NM_001903.5 (MANE Select); coding-DNA position 2695, G replaced by T.
Protein change: p.Glu899Ter; replaces glutamic acid 899 with a stop codon.
Molecular consequence: nonsense. On other transcripts: 3 prime UTR variant (5).
Genome position (GRCh38, 1-based): chr5:138,934,063, G>T. VCF-style: chr5-138934063-G-T. GRCh37 (hg19) VCF-style: chr5-138269752-G-T.
Other names: c.1585G>T, p.Glu529Ter (NM_001323991.1, NM_001323992.1, NM_001323993.1 and 12 more transcripts); c.1450G>T, p.Glu484Ter (NM_001324001.1); c.*240G>T (NM_001324002.1, NM_001324003.1, NM_001324004.1 and 2 more transcripts); c.1246G>T, p.Glu416Ter (NM_001324006.1, NM_001324007.1, NM_001324008.1 and 2 more transcripts); c.1492G>T, p.Glu498Ter (NM_001324011.1); c.1342G>T, p.Glu448Ter (NM_001324012.1, NM_001324013.1); c.2386G>T, p.Glu796Ter (NM_001290309.3); c.2326G>T, p.Glu776Ter (NM_001290310.3); and 3 more; short protein forms E776*, E899*, E448*, E484*, E498*, E796*, E890*, E416*.
Identifiers: ClinVar variation 4712302 (VCV004712302.1).
Genomic context (GRCh38, chr5:138,934,063, plus strand): 5'-CAGACCAAGATTAAACGGGCATCTCAGAAGAAGCACGTGAACCCGGTGCAGGCCCTCAGC[G>T]AGTTCAAAGCTATGGACAGCATCTAAGTCTGCCCAGGCCGGCCGCCCCCACCCCTCGGGG-3'

ClinVar aggregate classification (germline): Uncertain significance (1 of 4 stars; one submission).

Submission:

Labcorp Genetics (formerly Invitae), Labcorp
Classification: Uncertain significance. Last evaluated: 2025-02-04. Review status: criteria provided, single submitter. Criteria: Invitae Variant Classification Sherloc (09022015). Collection method: clinical testing. Allele origin: germline.
Comment: This sequence change creates a premature translational stop signal (p.Glu899*) in the CTNNA1 gene. While this is not anticipated to result in nonsense mediated decay, it is expected to disrupt the last 8 amino acid(s) of the CTNNA1 protein. This variant is not present in population databases (gnomAD no frequency). This variant has not been reported in the literature in individuals affected with CTNNA1-related conditions. Experimental studies and prediction algorithms are not available or were not evaluated, and the functional significance of this variant is currently unknown. In summary, the available evidence is currently insufficient to determine the role of this variant in disease. Therefore, it has been classified as a Variant of Uncertain Significance.